The following is an entry in ClinVar:

ClinVar aggregate classification (germline): Benign/Likely benign. Review status: criteria provided, multiple submitters, no conflicts (2 of 4 stars). 3 submissions from 3 submitters: Benign (1); Likely benign (2). Last evaluated 2025-07-14.

Conditions:
Prostate cancer, hereditary, 9 (HPC9). Identifiers: Orphanet 1331, MedGen C1970250, MONDO:0012597, OMIM 610997.
Hereditary cancer-predisposing syndrome. Also called: Tumor predisposition; Hereditary neoplastic syndrome; Hereditary Cancer Syndrome; Neoplastic Syndromes, Hereditary. Identifiers: Orphanet 140162, MedGen C0027672, MeSH D009386, MONDO:0015356.

gnomAD v4.1: 2 of 1,614,142 alleles (0.00012%); highest among the groups gnomAD compares: Non-Finnish European, 0.00017%; no homozygotes.

Submissions (3):

Labcorp Genetics (formerly Invitae), Labcorp
Classification: Likely benign. Last evaluated: 2025-07-14. Review status: criteria provided, single submitter. Criteria: Invitae Variant Classification Sherloc (09022015). Collection method: clinical testing. Allele origin: germline.

Ambry Genetics
Classification: Likely benign for Hereditary cancer-predisposing syndrome. Last evaluated: 2025-06-04. Review status: criteria provided, single submitter. Criteria: Ambry Variant Classification Scheme 2023. Collection method: clinical testing. Allele origin: germline.

Myriad Genetics, Inc.
Classification: Benign for Prostate cancer, hereditary, 9. Last evaluated: 2024-10-31. Review status: criteria provided, single submitter. Criteria: Myriad Autosomal Dominant, Autosomal Recessive and X-Linked Classification Criteria (2023). Collection method: clinical testing. Allele origin: unknown.
Comment: This variant is considered benign. This variant is a silent/synonymous amino acid change and it is not expected to impact splicing.

NM_006361.6(HOXB13):c.798C>T (p.Asn266=)

Gene: HOXB13 (homeobox B13; minus strand). Cytogenetic location: 17q21.32.
Variant type: single nucleotide variant.
Coding change: c.798C>T on transcript NM_006361.6 (MANE Select); coding-DNA position 798, C replaced by T.
Protein change: p.Asn266=; no amino-acid change (asparagine 266 retained).
Molecular consequence: synonymous variant.
Genome position (GRCh38, 1-based): chr17:48,726,847, G>A on the plus strand (C>T on the coding strand, the complement: HOXB13 is on the minus strand). VCF-style: chr17-48726847-G-A. GRCh37 (hg19) VCF-style: chr17-46804209-G-A.
Other names: c.798C>T (NM_006361.5).
Identifiers: ClinVar variation 1099823 (VCV001099823.12), dbSNP rs990843946, ClinGen allele CA291348889.